The following is an entry in ClinVar:

NM_139318.5(KCNH5):c.2045T>A (p.Val682Glu)

Gene: KCNH5 (potassium voltage-gated channel subfamily H member 5; minus strand). Cytogenetic location: 14q23.2.
Variant type: single nucleotide variant.
Coding change: c.2045T>A on transcript NM_139318.5 (MANE Select); coding-DNA position 2045, T replaced by A.
Protein change: p.Val682Glu; replaces valine 682 with glutamic acid.
Molecular consequence: missense variant. On other transcripts: 3 prime UTR variant (1).
Genome position (GRCh38, 1-based): chr14:62,708,430, A>T on the plus strand (T>A on the coding strand, the complement: KCNH5 is on the minus strand). VCF-style: chr14-62708430-A-T. GRCh37 (hg19) VCF-style: chr14-63175148-A-T.
Other names: c.*12T>A (NM_172375.3); short protein forms V682E.
Identifiers: ClinVar variation 1418377 (VCV001418377.9), dbSNP rs547160809, ClinGen allele CA7217328.

ClinVar aggregate classification (germline): Uncertain significance (1 of 4 stars; one submission).

Conditions:
Early-infantile DEE. Also called: Early infantile epileptic encephalopathy; Ohtahara syndrome; Early infantile epileptic encephalopathy with suppression bursts. Identifiers: Orphanet 1934, MedGen C0393706, MONDO:0800491.

Allele frequency attached by ClinVar (database versions not stated): gnomAD exomes below 0.00001; ExAC 0.00001; gnomAD 0.00001 and 0.00002; TOPMed 0.00001; 1000 Genomes Project 30x 0.00016; 1000 Genomes Project 0.00020.
gnomAD v4.1: 5 of 1,604,048 alleles (0.00031%); highest among the groups gnomAD compares: Admixed American, 0.0017%; no homozygotes.

Submission:

Labcorp Genetics (formerly Invitae), Labcorp
Classification: Uncertain significance for Early-infantile DEE. Last evaluated: 2023-10-22. Review status: criteria provided, single submitter. Criteria: Invitae Variant Classification Sherloc (09022015). Collection method: clinical testing. Allele origin: germline.
Comment: This sequence change replaces valine, which is neutral and non-polar, with glutamic acid, which is acidic and polar, at codon 682 of the KCNH5 protein (p.Val682Glu). This variant is present in population databases (rs547160809, gnomAD 0.003%). This variant has not been reported in the literature in individuals affected with KCNH5-related conditions. ClinVar contains an entry for this variant (Variation ID: 1418377). Advanced modeling of protein sequence and biophysical properties (such as structural, functional, and spatial information, amino acid conservation, physicochemical variation, residue mobility, and thermodynamic stability) performed at Invitae indicates that this missense variant is not expected to disrupt KCNH5 protein function. In summary, the available evidence is currently insufficient to determine the role of this variant in disease. Therefore, it has been classified as a Variant of Uncertain Significance.